The following is an entry in ClinVar:

NM_002351.5(SH2D1A):c.201+1_201+4del

Gene: SH2D1A (SH2 domain containing 1A; plus strand). Cytogenetic location: Xq25.
Variant type: Deletion.
Coding change: c.201+1_201+4del on transcript NM_002351.5 (MANE Select); the canonical splice donor site of the intron after coding-DNA position 201 through 4 bases into the intron after coding-DNA position 201, 4 bases deleted (GTAT; older notation c.201+1_201+4delGTAT).
Molecular consequence: splice donor variant.
Genome position (GRCh38, 1-based): chrX:124,365,825-124,365,828, GTAT deleted. VCF-style (leftmost placement, unchanged base first): chrX-124365824-GGTAT-G. GRCh37 (hg19) VCF-style: chrX-123499674-GGTAT-G.
Other names: c.201+1_201+4del (NM_001114937.3).
Identifiers: ClinVar variation 4730676 (VCV004730676.1).

ClinVar aggregate classification (germline): Likely pathogenic (1 of 4 stars; one submission).

Conditions:
X-linked lymphoproliferative disease due to SH2D1A deficiency (XLP1). Also called: DUNCAN DISEASE; IMMUNODEFICIENCY 5; IMMUNODEFICIENCY, X-LINKED PROGRESSIVE COMBINED VARIABLE; INFECTIOUS MONONUCLEOSIS, SEVERE, SUSCEPTIBILITY TO; PURTILO SYNDROME; SH2D1A-Related Lymphoproliferative Disease, X-Linked. Identifiers: Orphanet 2442, Orphanet 538931, MedGen C5399825, MONDO:0024551, OMIM 308240.

Submission:

Labcorp Genetics (formerly Invitae), Labcorp
Classification: Likely pathogenic for X-linked lymphoproliferative disease due to SH2D1A deficiency. Last evaluated: 2025-11-06. Review status: criteria provided, single submitter. Criteria: Invitae Variant Classification Sherloc (09022015). Collection method: clinical testing. Allele origin: germline.
Comment: This sequence change affects a splice site in intron 2 of the SH2D1A gene. It is expected to disrupt RNA splicing. Variants that disrupt the donor or acceptor splice site typically lead to a loss of protein function (PMID: 16199547), and loss-of-function variants in SH2D1A are known to be pathogenic (PMID: 9771704, 11049992, 15711562). This variant is not present in population databases (gnomAD no frequency). This variant has not been reported in the literature in individuals affected with SH2D1A-related conditions. Algorithms developed to predict the effect of sequence changes on RNA splicing suggest that this variant may disrupt the consensus splice site. In summary, the currently available evidence indicates that the variant is pathogenic, but additional data are needed to prove that conclusively. Therefore, this variant has been classified as Likely Pathogenic.

Literature cited by the submitters: PubMed 16199547; PubMed 9771704; PubMed 11049992; PubMed 15711562.